The following is an entry in ClinVar:

NM_018026.4(PACS1):c.2527G>A (p.Ala843Thr)

Gene: PACS1 (phosphofurin acidic cluster sorting protein 1; plus strand). Cytogenetic location: 11q13.2.
Variant type: single nucleotide variant.
Coding change: c.2527G>A on transcript NM_018026.4 (MANE Select); coding-DNA position 2527, G replaced by A.
Protein change: p.Ala843Thr; replaces alanine 843 with threonine.
Molecular consequence: missense variant.
Genome position (GRCh38, 1-based): chr11:66,241,524, G>A. VCF-style: chr11-66241524-G-A. GRCh37 (hg19) VCF-style: chr11-66008995-G-A.
Other names: short protein forms A843T.
Identifiers: ClinVar variation 473410 (VCV000473410.34), dbSNP rs369846760, ClinGen allele CA6116898.

ClinVar aggregate classification (germline): Conflicting classifications of pathogenicity. Review status: criteria provided, conflicting classifications (1 of 4 stars). 3 submissions from 3 submitters: Uncertain significance (1); Likely benign (2). Last evaluated 2025-09-27.

Conditions:
Schuurs-Hoeijmakers syndrome. Also called: PACS1-Related Neurodevelopmental Disorder. Identifiers: Orphanet 329224, MedGen C3554343, MONDO:0014006, OMIM 615009.

Allele frequency attached by ClinVar (database versions not stated): gnomAD 0.00002 and 0.00003; TOPMed 0.00004.
gnomAD v4.1: 66 of 1,614,022 alleles (0.0041%); highest among the groups gnomAD compares: Middle Eastern, 0.049%; 2 homozygotes.

Submissions (3):

Labcorp Genetics (formerly Invitae), Labcorp
Classification: Likely benign for Schuurs-Hoeijmakers syndrome. Last evaluated: 2025-09-27. Review status: criteria provided, single submitter. Criteria: Invitae Variant Classification Sherloc (09022015). Collection method: clinical testing. Allele origin: germline.

CeGaT Center for Human Genetics Tuebingen
Classification: Likely benign. Last evaluated: 2024-06-01. Review status: criteria provided, single submitter. Criteria: CeGaT Center For Human Genetics Tuebingen Variant Classification Criteria Version 2. Collection method: clinical testing. Allele origin: germline. Affected: yes. Observed: 2 variant alleles.
Comment: PACS1: BP4, BS2

Breakthrough Genomics
Classification: Uncertain significance. Review status: criteria provided, single submitter. Criteria: ACMG Guidelines, 2015. Collection method: not provided. Allele origin: germline. Inheritance: Autosomal dominant inheritance. Affected: yes.